The following is an entry in ClinVar:

NM_177550.5(SLC13A5):c.1357T>A (p.Ser453Thr)

Gene: SLC13A5 (solute carrier family 13 member 5; minus strand). Cytogenetic location: 17p13.1.
Variant type: single nucleotide variant.
Coding change: c.1357T>A on transcript NM_177550.5 (MANE Select); coding-DNA position 1357, T replaced by A.
Protein change: p.Ser453Thr; replaces serine 453 with threonine.
Molecular consequence: missense variant.
Genome position (GRCh38, 1-based): chr17:6,690,859, A>T on the plus strand (T>A on the coding strand, the complement: SLC13A5 is on the minus strand). VCF-style: chr17-6690859-A-T. GRCh37 (hg19) VCF-style: chr17-6594178-A-T.
Other names: c.1357T>A, p.Ser453Thr (NM_001143838.3); c.1306T>A, p.Ser436Thr (NM_001284509.2); c.1228T>A, p.Ser410Thr (NM_001284510.2); short protein forms S410T, S453T, S436T.
Identifiers: ClinVar variation 1395771 (VCV001395771.6), dbSNP rs2150964801, ClinGen allele CA397739762.

ClinVar aggregate classification (germline): Uncertain significance (1 of 4 stars; one submission).

Conditions:
Developmental and epileptic encephalopathy, 25 (DEE25). Also called: Developmental and epileptic encephalopathy 25, with amelogenesis imperfecta; Epileptic encephalopathy, early infantile, 25, with amelogenesis imperfecta; Epileptic encephalopathy, early infantile, 25. Identifiers: Orphanet 442835, MedGen C4014621, MONDO:0014392, OMIM 615905.

Submission:

Labcorp Genetics (formerly Invitae), Labcorp
Classification: Uncertain significance for Developmental and epileptic encephalopathy, 25. Last evaluated: 2021-12-01. Review status: criteria provided, single submitter. Criteria: Invitae Variant Classification Sherloc (09022015). Collection method: clinical testing. Allele origin: germline.
Comment: In summary, the available evidence is currently insufficient to determine the role of this variant in disease. Therefore, it has been classified as a Variant of Uncertain Significance. Algorithms developed to predict the effect of missense changes on protein structure and function (SIFT, PolyPhen-2, Align-GVGD) all suggest that this variant is likely to be tolerated. This variant has not been reported in the literature in individuals affected with SLC13A5-related conditions. This variant is not present in population databases (gnomAD no frequency). This sequence change replaces serine, which is neutral and polar, with threonine, which is neutral and polar, at codon 453 of the SLC13A5 protein (p.Ser453Thr).